The following is an entry in ClinVar:

NM_033056.4(PCDH15):c.4592A>G (p.Glu1531Gly)

Gene: PCDH15 (protocadherin related 15; minus strand). Cytogenetic location: 10q21.1.
Variant type: single nucleotide variant.
Coding change: c.4592A>G on transcript NM_033056.4 (MANE Plus Clinical); coding-DNA position 4592, A replaced by G.
Protein change: p.Glu1531Gly; replaces glutamic acid 1531 with glycine.
Molecular consequence: missense variant. On other transcripts: intron variant (8).
Genome position (GRCh38, 1-based): chr10:53,823,134, T>C on the plus strand (A>G on the coding strand, the complement: PCDH15 is on the minus strand). VCF-style: chr10-53823134-T-C. GRCh37 (hg19) VCF-style: chr10-55582894-T-C.
Other names: c.4613A>G, p.Glu1538Gly (NM_001142763.2); c.4598A>G, p.Glu1533Gly (NM_001142764.2); c.4385A>G, p.Glu1462Gly (NM_001142765.2); c.4583A>G, p.Glu1528Gly (NM_001142766.2); c.4472A>G, p.Glu1491Gly (NM_001142767.2); c.4532A>G, p.Glu1511Gly (NM_001142768.2); c.4523A>G, p.Glu1508Gly (NM_001142773.2); c.4526A>G, p.Glu1509Gly (NM_001354404.2); and 6 more; short protein forms E1531G, E1462G, E1491G, E1533G, E1538G, E1509G, E1511G, E1508G.
Identifiers: ClinVar variation 46483 (VCV000046483.5), dbSNP rs397517460, ClinGen allele CA138440.

ClinVar aggregate classification (germline): Uncertain significance (1 of 4 stars; one submission).

Allele frequency attached by ClinVar (database versions not stated): gnomAD exomes below 0.00001.
gnomAD v4.1: 2 of 1,614,080 alleles (0.00012%); no homozygotes.

Submission:

Laboratory for Molecular Medicine, Mass General Brigham Personalized Medicine
Classification: Uncertain significance. Last evaluated: 2010-10-05. Review status: criteria provided, single submitter. Criteria: LMM Criteria. Collection method: clinical testing. Allele origin: germline. Observed: 1 variant allele.
Comment: Variant classified as Uncertain Significance - Favor Benign. The Glu1531Gly vari ant has not been reported in the literature nor previously identified by our lab oratory. The Glu (Glutamic acid) residue is conserved across mammals and computa tional analyses (PolyPhen, AlignGVGD) suggest that the Glu1531Gly variant may im pact the protein. However, this information is not predictive enough to assume p athogenicity. It should be noted that this lab has only sequenced the PCDH15 gen e in 138 individuals such that the full spectrum of benign variation has not yet been defined for this gene, increasing the possibility that this may be a benig n variant. In summary, the clinical significance of this variant cannot be deter mined with certainty at this time.